The following is an entry in ClinVar:

NM_017777.4(MKS1):c.1274-6G>T

Gene: MKS1 (MKS transition zone complex subunit 1; minus strand). Cytogenetic location: 17q22.
Variant type: single nucleotide variant.
Coding change: c.1274-6G>T on transcript NM_017777.4 (MANE Select); 6 bases into the intron before coding-DNA position 1274, G replaced by T.
Molecular consequence: intron variant.
Genome position (GRCh38, 1-based): chr17:58,207,224, C>A on the plus strand (G>T on the coding strand, the complement: MKS1 is on the minus strand). VCF-style: chr17-58207224-C-A. GRCh37 (hg19) VCF-style: chr17-56284585-C-A.
Other names: c.1274-6G>T (NM_017777.3, NM_001321269.2); c.665-6G>T (NM_001321268.2); c.1273+670G>T (NM_001330397.2).
Identifiers: ClinVar variation 1651953 (VCV001651953.10), dbSNP rs1247721124, ClinGen allele CA626729221.

ClinVar aggregate classification (germline): Likely benign. Review status: criteria provided, single submitter (1 of 4 stars). 2 submissions from 2 submitters: Likely benign (1). 1 of the submissions does not count toward it. Last evaluated 2023-09-22.

Conditions:
Joubert syndrome. Also called: Familial aplasia of the vermis; JOUBERT-BOLTSHAUSER SYNDROME. Identifiers: Orphanet 475, MedGen C5979921, MONDO:0018772.
Meckel-Gruber syndrome. Also called: Dysencephalia splachnocystica; DYSENCEPHALIA SPLANCHNOCYSTICA; GRUBER SYNDROME. Identifiers: Orphanet 564, MedGen C0265215, MONDO:0018921.
MKS1-related disorder. Also called: MKS1-related disorders; MKS1-related condition. Identifiers: MedGen CN239382.

Allele frequency attached by ClinVar (database versions not stated): TOPMed below 0.00001; gnomAD 0.00001; gnomAD exomes 0.00001.

Submissions (2):

Labcorp Genetics (formerly Invitae), Labcorp
Classification: Likely benign for Joubert syndrome; Meckel-Gruber syndrome. Last evaluated: 2023-09-22. Review status: criteria provided, single submitter. Criteria: Invitae Variant Classification Sherloc (09022015). Collection method: clinical testing. Allele origin: germline.

PreventionGenetics, part of Exact Sciences
Classification: Likely benign for MKS1-related condition. Last evaluated: 2024-02-01. Review status: no assertion criteria provided. Collection method: clinical testing. Allele origin: germline. Not counted in ClinVar's aggregate classification.
Comment: This variant is classified as likely benign based on ACMG/AMP sequence variant interpretation guidelines (Richards et al. 2015 PMID: 25741868, with internal and published modifications).